The following is an entry in ClinVar:

ClinVar aggregate classification (germline): Uncertain significance (1 of 4 stars; one submission).

gnomAD v4.1: 2 of 1,613,774 alleles (0.00012%); highest among the groups gnomAD compares: Non-Finnish European, 0.00017%; no homozygotes.

Submission:

Labcorp Genetics (formerly Invitae), Labcorp
Classification: Uncertain significance. Last evaluated: 2024-06-08. Review status: criteria provided, single submitter. Criteria: Invitae Variant Classification Sherloc (09022015). Collection method: clinical testing. Allele origin: germline.
Comment: This sequence change replaces asparagine, which is neutral and polar, with aspartic acid, which is acidic and polar, at codon 256 of the FREM1 protein (p.Asn256Asp). This variant is present in population databases (no rsID available, gnomAD 0.002%). This variant has not been reported in the literature in individuals affected with FREM1-related conditions. Advanced modeling of protein sequence and biophysical properties (such as structural, functional, and spatial information, amino acid conservation, physicochemical variation, residue mobility, and thermodynamic stability) performed at Invitae indicates that this missense variant is not expected to disrupt FREM1 protein function with a negative predictive value of 80%. In summary, the available evidence is currently insufficient to determine the role of this variant in disease. Therefore, it has been classified as a Variant of Uncertain Significance.

NM_001379081.2(FREM1):c.766A>G (p.Asn256Asp)

Gene: FREM1 (FRAS1 related extracellular matrix 1; minus strand). Cytogenetic location: 9p22.3.
Variant type: single nucleotide variant.
Coding change: c.766A>G on transcript NM_001379081.2 (MANE Select); coding-DNA position 766, A replaced by G.
Protein change: p.Asn256Asp; replaces asparagine 256 with aspartic acid.
Molecular consequence: missense variant. On other transcripts: non-coding transcript variant (4).
Genome position (GRCh38, 1-based): chr9:14,857,615, T>C on the plus strand (A>G on the coding strand, the complement: FREM1 is on the minus strand). VCF-style: chr9-14857615-T-C. GRCh37 (hg19) VCF-style: chr9-14857613-T-C.
Other names: c.793A>G, p.Asn265Asp (NM_001370060.1); c.766A>G, p.Asn256Asp (NM_001370063.1, NM_001370065.1, NM_144966.7); short protein forms N256D, N265D.
Identifiers: ClinVar variation 3613480 (VCV003613480.2).
Genomic context (GRCh38, chr9:14,857,615, plus strand): 5'-TGTACACAATTTTGCTCCTGGTATCTGTGAGGTCCAGTTGGATGGAGATATAATCAATGT[T>C]GGGTGAAGGGGGATCCAGATGCTGATAACGAAGGCCCATCAGCAGGAACTCCTCACAGCT-3'
Protein context (NP_001366010.1, residues 246-266): RYQHLDPPSP[Asn256Asp]IDYISIQLDL